The following is an entry in ClinVar:

ClinVar aggregate classification (germline): Uncertain significance. Review status: criteria provided, multiple submitters, no conflicts (2 of 4 stars). 2 submissions from 2 submitters: Uncertain significance (2). Last evaluated 2026-02-09.

Conditions:
Autosomal recessive limb-girdle muscular dystrophy type 2J (LGMDR10). Also called: Limb-girdle muscular dystrophy, type 2J; MUSCULAR DYSTROPHY, LIMB-GIRDLE, AUTOSOMAL RECESSIVE 10. Identifiers: Orphanet 140922, MedGen C1837342, MONDO:0012127, OMIM 608807.
Dilated cardiomyopathy 1G (CMD1G). Identifiers: Orphanet 154, MedGen C1858763, MONDO:0011400, OMIM 604145.

gnomAD v4.1: 4 of 1,613,924 alleles (0.00025%); highest among the groups gnomAD compares: African/African-American, 0.0013%; no homozygotes.

Submissions (2):

Women's Health and Genetics/Laboratory Corporation of America, LabCorp
Classification: Uncertain significance. Last evaluated: 2026-02-09. Review status: criteria provided, single submitter. Criteria: LabCorp Variant Classification Summary - May 2015. Collection method: clinical testing. Allele origin: germline.

Labcorp Genetics (formerly Invitae), Labcorp
Classification: Uncertain significance for Dilated cardiomyopathy 1G; Autosomal recessive limb-girdle muscular dystrophy type 2J. Last evaluated: 2025-12-29. Review status: criteria provided, single submitter. Criteria: Invitae Variant Classification Sherloc (09022015). Collection method: clinical testing. Allele origin: germline.
Comment: This sequence change replaces phenylalanine, which is neutral and non-polar, with serine, which is neutral and polar, at codon 34172 of the TTN protein (p.Phe34172Ser). This variant is not present in population databases (gnomAD no frequency). This variant has not been reported in the literature in individuals affected with TTN-related conditions. ClinVar contains an entry for this variant (Variation ID: 3748047). Experimental studies and prediction algorithms are not available or were not evaluated, and the functional significance of this variant is currently unknown. In summary, the available evidence is currently insufficient to determine the role of this variant in disease. Therefore, it has been classified as a Variant of Uncertain Significance.

NM_001267550.2(TTN):c.102515T>C (p.Phe34172Ser)

Genes: TTN (titin; minus strand), TTN-AS1 (TTN antisense RNA 1; plus strand). Cytogenetic location: 2q31.2.
Variant type: single nucleotide variant.
Coding change: c.102515T>C on transcript NM_001267550.2 (MANE Select); coding-DNA position 102515, T replaced by C.
Protein change: p.Phe34172Ser; replaces phenylalanine 34172 with serine.
Molecular consequence: missense variant.
Genome position (GRCh38, 1-based): chr2:178,534,100, A>G on the plus strand (T>C on the coding strand, the complement: TTN is on the minus strand). VCF-style: chr2-178534100-A-G. GRCh37 (hg19) VCF-style: chr2-179398827-A-G.
Other names: c.97592T>C, p.Phe32531Ser (NM_001256850.1); c.75320T>C, p.Phe25107Ser (NM_003319.4); c.94811T>C, p.Phe31604Ser (NM_133378.4); c.75695T>C, p.Phe25232Ser (NM_133432.3); c.75896T>C, p.Phe25299Ser (NM_133437.4); short protein forms F25107S, F25232S, F25299S, F31604S, F32531S, F34172S.
Identifiers: ClinVar variation 3748047 (VCV003748047.3).
Genomic context (GRCh38, chr2:178,534,100, plus strand): 5'-GCCACTCCATCTTCGTAGGTGATTTCGTATTTCTCACTGTTCTCCAGCTGTCGGACGCCA[A>G]AGTACCAAGTCACTTGGGTAGACTGATCATAATTTTCAATTTTGCATACATATTTGACAT-3'
Protein context (NP_001254479.2, residues 34162-34182): YDQSTQVTWY[Phe34172Ser]GVRQLENSEK